The following is an entry in ClinVar:

ClinVar aggregate classification (germline): Likely benign (1 of 4 stars; one submission).

Allele frequency attached by ClinVar (database versions not stated): gnomAD exomes 0.00001; TOPMed 0.00001.
gnomAD v4.1: 9 of 1,613,910 alleles (0.00056%); highest among the groups gnomAD compares: Middle Eastern, 0.016%; no homozygotes.

Submission:

CeGaT Center for Human Genetics Tuebingen
Classification: Likely benign. Last evaluated: 2022-10-01. Review status: criteria provided, single submitter. Criteria: CeGaT Center For Human Genetics Tuebingen Variant Classification Criteria Version 2. Collection method: clinical testing. Allele origin: germline. Affected: yes. Observed: 1 variant allele.
Comment: PRUNE2: BP4, BP7

NM_015225.3(PRUNE2):c.3210C>T (p.Asp1070=)

Gene: PRUNE2 (prune homolog 2 with BCH domain; minus strand). Cytogenetic location: 9q21.2.
Variant type: single nucleotide variant.
Coding change: c.3210C>T on transcript NM_015225.3 (MANE Select); coding-DNA position 3210, C replaced by T.
Protein change: p.Asp1070=; no amino-acid change (aspartic acid 1070 retained).
Molecular consequence: synonymous variant. On other transcripts: non-coding transcript variant (1).
Genome position (GRCh38, 1-based): chr9:76,709,064, G>A on the plus strand (C>T on the coding strand, the complement: PRUNE2 is on the minus strand). VCF-style: chr9-76709064-G-A. GRCh37 (hg19) VCF-style: chr9-79323980-G-A.
Other names: c.3210C>T, p.Asp1070= (NM_001308047.2, NM_001308048.2).
Identifiers: ClinVar variation 2659264 (VCV002659264.24), dbSNP rs1377099103, ClinGen allele CA465619204.